The following is an entry in ClinVar:

ClinVar aggregate classification (germline): Pathogenic (1 of 4 stars; one submission).

Conditions:
Deficiency of alpha-mannosidase (MANSA). Also called: LYSOSOMAL ALPHA-D-MANNOSIDASE DEFICIENCY; Alpha-Mannosidosis; Mannosidosis, alpha-, types I and II. Identifiers: Orphanet 61, MedGen C0024748, MONDO:0009561, OMIM 248500.

Submission:

Myriad Genetics, Inc.
Classification: Pathogenic for Deficiency of alpha-mannosidase. Last evaluated: 2023-09-27. Review status: criteria provided, single submitter. Criteria: Myriad Autosomal Dominant, Autosomal Recessive and X-Linked Classification Criteria (2023). Collection method: clinical testing. Allele origin: unknown.
Comment: NM_000528.3(MAN2B1):c.1259dupG(L421Pfs*18) is expected to be pathogenic in the context of alpha-mannosidosis. This variant is predicted to lead to an abnormal or absent protein product due to the creation of a premature termination codon in MAN2B1, a gene where loss-of-function variants are known to be pathogenic. Please note: this variant was assessed in the context of healthy population screening.

NM_000528.4(MAN2B1):c.1259dup (p.Leu421fs)

Gene: MAN2B1 (mannosidase alpha class 2B member 1; minus strand). Cytogenetic location: 19p13.13.
Variant type: Duplication.
Coding change: c.1259dup on transcript NM_000528.4 (MANE Select); coding-DNA position 1259, one base duplicated (G; older notation c.1259dupG).
Protein change: p.Leu421fs; shifts the reading frame from leucine 421.
Molecular consequence: frameshift variant.
Genome position (GRCh38, 1-based): chr19:12,658,113, C duplicated on the plus strand (G on the coding strand, the reverse complement: MAN2B1 is on the minus strand); the first of 3 consecutive C bases (chr19:12,658,113-12,658,115); duplicating any one gives the same sequence. VCF-style (leftmost placement, unchanged base first): chr19-12658112-G-GC. GRCh37 (hg19) VCF-style: chr19-12768926-G-GC.
Other names: c.1256dup, p.Leu420fs (NM_001173498.2); c.1262dup, p.Leu422fs (NM_001440570.1); short protein forms L420fs, L421fs, L422fs.
Identifiers: ClinVar variation 5012144 (VCV005012144.1).
Genomic context (GRCh38, chr19:12,658,112, plus strand): 5'-CCGACACTTACTGAGGGGTGCACTGTCTCCGGAGCCATAGGGTCCCACGTTGGCCGCCAG[G>GC]CCCACCAGCGCCTCCAGCTGGTTGCACACCTGGAGGCAGAGGGGTATGTTGGGGCGCCCA-3'